The following is an entry in ClinVar:

ClinVar aggregate classification (germline): Benign. Review status: criteria provided, single submitter (1 of 4 stars). 2 submissions from 2 submitters: Benign (1). 1 of the submissions does not count toward it. Last evaluated 2018-07-04.

Conditions:
ERBB3-related disorder. Also called: ERBB3-related condition.

Allele frequency attached by ClinVar (database versions not stated): gnomAD 0.00007; gnomAD exomes 0.00007 and 0.00012; TOPMed 0.00007; ExAC 0.00012.

Submissions (2):

Labcorp Genetics (formerly Invitae), Labcorp
Classification: Benign. Last evaluated: 2018-07-04. Review status: criteria provided, single submitter. Criteria: Invitae Variant Classification Sherloc (09022015). Collection method: clinical testing. Allele origin: germline.

PreventionGenetics, part of Exact Sciences
Classification: Likely benign for ERBB3-related condition. Last evaluated: 2019-09-05. Review status: no assertion criteria provided. Collection method: clinical testing. Allele origin: germline. Not counted in ClinVar's aggregate classification.
Comment: This variant is classified as likely benign based on ACMG/AMP sequence variant interpretation guidelines (Richards et al. 2015 PMID: 25741868, with internal and published modifications).

NM_001982.4(ERBB3):c.2532A>T (p.Ser844=)

Gene: ERBB3 (erb-b2 receptor tyrosine kinase 3; plus strand). Cytogenetic location: 12q13.2.
Variant type: single nucleotide variant.
Coding change: c.2532A>T on transcript NM_001982.4 (MANE Select); coding-DNA position 2532, A replaced by T.
Protein change: p.Ser844=; no amino-acid change (serine 844 retained).
Molecular consequence: synonymous variant.
Genome position (GRCh38, 1-based): chr12:56,097,856, A>T. VCF-style: chr12-56097856-A-T. GRCh37 (hg19) VCF-style: chr12-56491640-A-T.
Identifiers: ClinVar variation 758877 (VCV000758877.5), dbSNP rs141739894, ClinGen allele CA6622625.